The following is an entry in ClinVar:

NM_000548.5(TSC2):c.5069-3_5069-2del

Gene: TSC2 (TSC complex subunit 2; plus strand). Cytogenetic location: 16p13.3.
Variant type: Deletion.
Coding change: c.5069-3_5069-2del on transcript NM_000548.5 (MANE Select); 3 bases into the intron before coding-DNA position 5069 through the canonical splice acceptor site of the intron before coding-DNA position 5069, 2 bases deleted (CA; older notation c.5069-3_5069-2delCA).
Molecular consequence: splice acceptor variant.
Genome position (GRCh38, 1-based): chr16:2,088,045-2,088,046, CA deleted. VCF-style (leftmost placement, unchanged base first): chr16-2088044-CCA-C. GRCh37 (hg19) VCF-style: chr16-2138045-CCA-C.
Other names: c.5000-3_5000-2del (NM_001114382.3); c.4940-3_4940-2del (NM_021055.3, NM_001370405.1); c.4871-3_4871-2del (NM_001363528.2); c.4937-3_4937-2del (NM_001370404.1); c.4868-3_4868-2del (NM_001077183.3); c.4760-3_4760-2del (NM_001318827.2); c.4337-3_4337-2del (NM_001318831.2); c.4724-3_4724-2del (NM_001318829.2); and 1 more.
Identifiers: ClinVar variation 427988 (VCV000427988.5), dbSNP rs1114167460, ClinGen allele CA645369669.
Genomic context (GRCh38, chr16:2,088,044, plus strand): 5'-GGGTGGGGCCCTGCAGTGTGGCGCCAAGAGCCCTGGGCCTGGCGTGACCACCAAGTCTCC[CCA>C]GACATGGAGGGCCTTGTGGACACCAGCGTGGCCAAGATCGTGTCTGACCGCAACCTGCCC-3'

ClinVar aggregate classification (germline): Likely pathogenic (1 of 4 stars; one submission).

Conditions:
Hereditary cancer-predisposing syndrome. Also called: Hereditary Cancer Syndrome; Neoplastic Syndromes, Hereditary; Hereditary neoplastic syndrome; Tumor predisposition. Identifiers: Orphanet 140162, MedGen C0027672, MeSH D009386, MONDO:0015356.

Submission:

Ambry Genetics
Classification: Likely pathogenic for Hereditary cancer-predisposing syndrome. Last evaluated: 2016-08-17. Review status: criteria provided, single submitter. Criteria: Ambry Variant Classification Scheme 2023. Collection method: clinical testing. Allele origin: germline.
Comment: The c.5069-3_5069-2delCA intronic variant results from a deletion of two nucleotides, C and A, three nucleotides upstream from coding exon 39 of the TSC2 gene. This variant was not reported in population based cohorts in the following databases: Database of Single Nucleotide Polymorphisms (dbSNP), NHLBI Exome Sequencing Project (ESP), and 1000 Genomes Project. In the ESP, this variant was not observed in 6498 samples (12996 alleles) with coverage at this position. These two nucleotide positions are well conserved in available vertebrate species. Alterations that disrupt the canonical splice site are expected to cause aberrant splicing, resulting in an abnormal protein or a transcript that is subject to nonsense-mediated mRNA decay. As such, this alteration is classified as likely pathogenic.